The following is an entry in ClinVar:

NM_194323.3(OTOF):c.3514C>T (p.Arg1172Trp)

Gene: OTOF (otoferlin; minus strand). Cytogenetic location: 2p23.3.
Variant type: single nucleotide variant.
Coding change: c.3514C>T on transcript NM_194323.3 (MANE Plus Clinical); coding-DNA position 3514, C replaced by T.
Protein change: p.Arg1172Trp; replaces arginine 1172 with tryptophan.
Molecular consequence: missense variant. On other transcripts: 3 prime UTR variant (3).
Genome position (GRCh38, 1-based): chr2:26,458,219, G>A on the plus strand (C>T on the coding strand, the complement: OTOF is on the minus strand). VCF-style: chr2-26458219-G-A. GRCh37 (hg19) VCF-style: chr2-26681087-G-A.
Other names: c.5815C>T, p.Arg1939Trp (NM_001287489.2); c.*19C>T (NM_004802.4, NM_194248.3, NM_194322.3); short protein forms R1172W, R1939W.
Identifiers: ClinVar variation 562079 (VCV000562079.9), dbSNP rs530821443, ClinGen allele CA1562639.

ClinVar aggregate classification (germline): Uncertain significance. Review status: criteria provided, multiple submitters, no conflicts (2 of 4 stars). 6 submissions from 6 submitters: Uncertain significance (2). 4 of the submissions do not count toward it. Last evaluated 2024-12-18.

Conditions:
Hearing loss, autosomal recessive. Also called: Deafness, autosomal recessive; Nonsyndromic Hearing Loss, Recessive; Rare autosomal recessive non-syndromic sensorineural deafness type DFNB; Autosomal recessive nonsyndromic deafness. Identifiers: Orphanet 90635, Orphanet 90636, MedGen C1846647, MONDO:0019588, OMIM 607197.
Autosomal recessive nonsyndromic hearing loss 9. Also called: NEUROSENSORY NONSYNDROMIC RECESSIVE DEAFNESS 9; Deafness, autosomal recessive 9; AUDITORY NEUROPATHY, AUTOSOMAL RECESSIVE, 1, TEMPERATURE-SENSITIVE; OTOF-Related Hearing Loss. Identifiers: Orphanet 90636, MedGen C1832828, MONDO:0010986, OMIM 601071.
Auditory neuropathy spectrum disorder. Identifiers: MedGen C2732267.

Allele frequency attached by ClinVar (database versions not stated): gnomAD 0.00001; gnomAD exomes 0.00001; ExAC 0.00003; 1000 Genomes Project 0.00020; 1000 Genomes Project 30x 0.00031.

Submissions (6):

Genomic Medicine Center of Excellence, King Faisal Specialist Hospital and Research Centre
Classification: Uncertain significance for Autosomal recessive nonsyndromic hearing loss 9. Last evaluated: 2024-12-18. Review status: criteria provided, single submitter. Criteria: ACMG Guidelines, 2015. Collection method: clinical testing. Allele origin: germline.

Labcorp Genetics (formerly Invitae), Labcorp
Classification: Uncertain significance. Last evaluated: 2021-11-17. Review status: criteria provided, single submitter. Criteria: Invitae Variant Classification Sherloc (09022015). Collection method: clinical testing. Allele origin: germline.
Comment: The OTOF gene has multiple clinically relevant transcripts. This variant occurs in alternate transcript NM_194323.2, and corresponds to NM_194248.2:c.*19C>T in the primary transcript. This sequence change replaces arginine, which is basic and polar, with tryptophan, which is neutral and slightly polar, at codon 1172 of the OTOF protein (p.Arg1172Trp). The frequency data for this variant in the population databases is considered unreliable, as metrics indicate poor data quality at this position in the gnomAD database. This missense change has been observed in individual(s) with OTOF-related conditions (PMID: 19250381, 30303587; Invitae). This variant is also known as c.5815C>T (p.R1939W). ClinVar contains an entry for this variant (Variation ID: 562079). Experimental studies and prediction algorithms are not available or were not evaluated, and the functional significance of this variant is currently unknown. This variant disrupts the p.Arg1172 amino acid residue in OTOF. Other variant(s) that disrupt this residue have been determined to be pathogenic (PMID: 12525542, 26632695). This suggests that this residue is clinically significant, and that variants that disrupt this residue are likely to be disease-causing. In summary, the available evidence is currently insufficient to determine the role of this variant in disease. Therefore, it has been classified as a Variant of Uncertain Significance.

Diagnosis and Treatment Center of Genetic Hearing Loss, Eye & ENT Hospital of Fudan University
Classification: Pathogenic for Autosomal recessive nonsyndromic hearing loss 9. Last evaluated: 2026-02-04. Review status: no assertion criteria provided. Collection method: clinical testing. Allele origin: germline. Inheritance: Autosomal recessive inheritance. Affected: yes. Clinical features observed: hearing loss. Not counted in ClinVar's aggregate classification.
Comment: The c.5815C>T missense variant in OTOF has a population frequency of 0.0002 (PM2_Supporting). It was found in trans with pathogenic variant in at least 2 probands in our center (PM3_Strong). A pathogenic variant at the same amino acid site, c.5816G>A (p.Arg1939Gln), has been reported (PM5). The REVEL score is 0.884 (PP3_Moderate). The phenotype is consistent with auditory neuropathy (PP4). (PMID: 34536124)

Department of Otolaryngology, Head and Neck Surgery, Beijing Friendship Hospital, Capital Medical University
Classification: Likely pathogenic for Auditory neuropathy spectrum disorder. Last evaluated: 2020-08-01. Review status: no assertion criteria provided. Collection method: clinical testing. Allele origin: inherited. Inheritance: Autosomal recessive inheritance. Affected: yes. Not counted in ClinVar's aggregate classification.

National Institute on Deafness and Communication Disorders, National Institutes of Health
Classification: Pathogenic for Autosomal recessive nonsyndromic hearing loss 9. Last evaluated: 2018-07-05. Review status: no assertion criteria provided. Collection method: research. Allele origin: germline. Affected: yes. Observed: 1 homozygote. Segregation with disease observed. Not counted in ClinVar's aggregate classification.

University of Washington Center for Mendelian Genomics, University of Washington
Classification: Likely pathogenic for non-syndromic autosomal recessive hearing loss. Review status: no assertion criteria provided. Collection method: research. Allele origin: inherited. Affected: yes. Not counted in ClinVar's aggregate classification.

Literature cited by the submitters: PubMed 19250381 (cited by Labcorp Genetics (formerly Invitae), Labcorp); PubMed 30303587 (cited by Labcorp Genetics (formerly Invitae), Labcorp and University of Washington Center for Mendelian Genomics, University of Washington); PubMed 12525542 (cited by Labcorp Genetics (formerly Invitae), Labcorp); PubMed 26632695 (cited by Labcorp Genetics (formerly Invitae), Labcorp); PubMed 34536124 (cited by Diagnosis and Treatment Center of Genetic Hearing Loss, Eye & ENT Hospital of Fudan University).